The following is an entry in ClinVar:

NM_000127.3(EXT1):c.1350del (p.Gly451fs)

Gene: EXT1 (exostosin glycosyltransferase 1; minus strand). Cytogenetic location: 8q24.11.
Variant type: Deletion.
Coding change: c.1350del on transcript NM_000127.3 (MANE Select); coding-DNA position 1350, one base deleted (A; older notation c.1350delA).
Protein change: p.Gly451fs; shifts the reading frame from glycine 451.
Molecular consequence: frameshift variant.
Genome position (GRCh38, 1-based): chr8:117,822,532, T deleted on the plus strand (A on the coding strand, the reverse complement: EXT1 is on the minus strand). VCF-style (leftmost placement, unchanged base first): chr8-117822531-CT-C. GRCh37 (hg19) VCF-style: chr8-118834770-CT-C.
Other names: short protein forms G451fs.
Identifiers: ClinVar variation 963866 (VCV000963866.7), dbSNP rs1811942117, ClinGen allele CA1139660728.

ClinVar aggregate classification (germline): Pathogenic (1 of 4 stars; one submission).

Conditions:
Multiple congenital exostosis (EXT). Also called: Multiple exostoses; Hereditary multiple osteochondromas; Hereditary multiple exostoses; Hereditary multiple exostosis; Multiple osteochondromas; MULTIPLE CARTILAGINOUS EXOSTOSES. Identifiers: Orphanet 321, MedGen C0015306, MONDO:0005508, HP:0002762.

Submission:

Labcorp Genetics (formerly Invitae), Labcorp
Classification: Pathogenic for Multiple congenital exostosis. Last evaluated: 2019-10-13. Review status: criteria provided, single submitter. Criteria: Invitae Variant Classification Sherloc (09022015). Collection method: clinical testing. Allele origin: germline.
Comment: This variant has not been reported in the literature in individuals with EXT1-related conditions. This variant is not present in population databases (ExAC no frequency). This sequence change creates a premature translational stop signal (p.Gly451Aspfs*22) in the EXT1 gene. It is expected to result in an absent or disrupted protein product. Loss-of-function variants in EXT1 are known to be pathogenic (PMID: 10679937, 11391482, 19810120). For these reasons, this variant has been classified as Pathogenic.

Literature cited by the submitters: PubMed 10679937; PubMed 11391482; PubMed 19810120.